The following is an entry in ClinVar:

ClinVar aggregate classification (germline): Uncertain significance (1 of 4 stars; one submission).

Conditions:
Fliedner-Zweier syndrome (FZS). Identifiers: MedGen C5882693, MONDO:0957787, OMIM 620511.

Submission:

Juno Genomics, Hangzhou Juno Genomics, Inc
Classification: Uncertain significance for Fliedner-Zweier syndrome. Review status: criteria provided, single submitter. Criteria: ACMG Guidelines, 2015. Collection method: clinical testing. Allele origin: germline.
Comment: Null variant in a gene where loss of function (LOF) is a known mechanism of disease.;Absent from controls (or at extremely low frequency if recessive) in Genome Aggregation Database.

NM_020706.2(SCAF4):c.1609del (p.Ile537fs)

Gene: SCAF4 (SR-related CTD associated factor 4; minus strand). Cytogenetic location: 21q22.11.
Variant type: Deletion.
Coding change: c.1609del on transcript NM_020706.2 (MANE Select); coding-DNA position 1609, one base deleted (A; older notation c.1609delA).
Protein change: p.Ile537fs; shifts the reading frame from isoleucine 537.
Molecular consequence: frameshift variant.
Genome position (GRCh38, 1-based): chr21:31,692,354, T deleted on the plus strand (A on the coding strand, the reverse complement: SCAF4 is on the minus strand); the first of 2 consecutive T bases (chr21:31,692,354-31,692,355); deleting either gives the same sequence. VCF-style (leftmost placement, unchanged base first): chr21-31692353-AT-A. GRCh37 (hg19) VCF-style: chr21-33064666-AT-A.
Other names: c.1564del, p.Ile522fs (NM_001145444.1); c.1609del, p.Ile537fs (NM_001145445.1); short protein forms I522fs, I537fs.
Identifiers: ClinVar variation 5006411 (VCV005006411.2).